The following is an entry in ClinVar:

NM_000228.3(LAMB3):c.1680C>T (p.Thr560=)

Gene: LAMB3 (laminin subunit beta 3; minus strand). Cytogenetic location: 1q32.2.
Variant type: single nucleotide variant.
Coding change: c.1680C>T on transcript NM_000228.3 (MANE Select); coding-DNA position 1680, C replaced by T.
Protein change: p.Thr560=; no amino-acid change (threonine 560 retained).
Molecular consequence: synonymous variant.
Genome position (GRCh38, 1-based): chr1:209,625,944, G>A on the plus strand (C>T on the coding strand, the complement: LAMB3 is on the minus strand). VCF-style: chr1-209625944-G-A. GRCh37 (hg19) VCF-style: chr1-209799289-G-A.
Other names: c.1680C>T, p.Thr560= (NM_001017402.2, NM_001127641.1).
Identifiers: ClinVar variation 758891 (VCV000758891.32), dbSNP rs376183751, ClinGen allele CA1375495.

ClinVar aggregate classification (germline): Likely benign. Review status: criteria provided, multiple submitters, no conflicts (2 of 4 stars). 2 submissions from 2 submitters: Likely benign (2). Last evaluated 2025-12-06.

Allele frequency attached by ClinVar (database versions not stated): gnomAD 0.00001 and 0.00002; gnomAD exomes 0.00003; TOPMed 0.00003; ExAC 0.00004; ESP Exome Variant Server 0.00008.
gnomAD v4.1: 47 of 1,613,644 alleles (0.0029%); highest among the groups gnomAD compares: Admixed American, 0.005%; no homozygotes.

Submissions (2):

Labcorp Genetics (formerly Invitae), Labcorp
Classification: Likely benign. Last evaluated: 2025-12-06. Review status: criteria provided, single submitter. Criteria: Invitae Variant Classification Sherloc (09022015). Collection method: clinical testing. Allele origin: germline.

CeGaT Center for Human Genetics Tuebingen
Classification: Likely benign. Last evaluated: 2022-06-01. Review status: criteria provided, single submitter. Criteria: CeGaT Center For Human Genetics Tuebingen Variant Classification Criteria Version 2. Collection method: clinical testing. Allele origin: germline. Affected: yes. Observed: 1 variant allele.
Comment: LAMB3: BP4, BP7